The following is an entry in ClinVar:

ClinVar aggregate classification (germline): Uncertain significance (1 of 4 stars; one submission).

Conditions:
ALMS1-related disorder. Also called: ALMS1-related condition.

Submission:

PreventionGenetics, part of Exact Sciences
Classification: Uncertain significance for ALMS1-related condition. Last evaluated: 2023-12-30. Review status: criteria provided, single submitter. Criteria: ACMG Guidelines, 2015. Collection method: clinical testing. Allele origin: germline.
Comment: The ALMS1 c.76_77insGAGG variant is predicted to result in a frameshift and premature protein termination (p.Glu26Glyfs*102). To our knowledge, this variant has not been reported in the literature. This variant is reported in 0.18% of alleles in individuals of Latino descent in gnomAD including one homozygote. Although we suspect that this variant may be benign, at this time, the clinical significance of this variant is uncertain due to the absence of conclusive functional and genetic evidence.

NM_001378454.1(ALMS1):c.70_73dup (p.Glu25fs)

Gene: ALMS1 (ALMS1 centrosome and basal body associated protein; plus strand). Cytogenetic location: 2p13.1.
Variant type: Duplication.
Coding change: c.70_73dup on transcript NM_001378454.1 (MANE Select); coding-DNA positions 70 to 73, 4 bases duplicated (GAGG; older notation c.70_73dupGAGG).
Protein change: p.Glu25fs; shifts the reading frame from glutamic acid 25.
Molecular consequence: frameshift variant.
Genome position (GRCh38, 1-based): chr2:73,385,938-73,385,941, GAGG duplicated; duplicating any 4 consecutive bases within chr2:73,385,937-73,385,941 gives the same sequence; the c. name uses the placement nearest the transcript's 3' end. VCF-style (leftmost placement, unchanged base first): chr2-73385936-A-AGGAG. GRCh37 (hg19) VCF-style: chr2-73613064-A-AGGAG.
Other names: c.73_76dup, p.Glu26fs (NM_015120.4); c.76_77insGAGG (NM_015120.4); short protein forms E25fs, E26fs.
Identifiers: ClinVar variation 3041457 (VCV003041457.1), dbSNP rs2465970412, ClinGen allele CA2740095637.